The following is an entry in ClinVar:

NM_000404.4(GLB1):c.1387_1388del (p.Leu463fs)

Gene: GLB1 (galactosidase beta 1; minus strand). Cytogenetic location: 3p22.3.
Variant type: Microsatellite.
Coding change: c.1387_1388del on transcript NM_000404.4 (MANE Select); coding-DNA positions 1387 to 1388, 2 bases deleted (CT; older notation c.1387_1388delCT).
Protein change: p.Leu463fs; shifts the reading frame from leucine 463.
Molecular consequence: frameshift variant.
Genome position (GRCh38, 1-based): chr3:33,016,800-33,016,801, AG deleted on the plus strand (CT on the coding strand, the reverse complement: GLB1 is on the minus strand); deleting any 2 consecutive bases within chr3:33,016,800-33,016,803 gives the same sequence; the c. name uses the placement nearest the transcript's 3' end. VCF-style (leftmost placement, unchanged base first): chr3-33016799-CAG-C. GRCh37 (hg19) VCF-style: chr3-33058291-CAG-C.
Other names: c.1297_1298del, p.Leu433fs (NM_001079811.3); c.994_995del, p.Leu332fs (NM_001135602.3); c.1531_1532del, p.Leu511fs (NM_001317040.2); c.1387_1388del, p.Leu463fs (NM_001393580.1); short protein forms L433fs, L463fs, L332fs, L511fs.
Identifiers: ClinVar variation 2943569 (VCV002943569.3), dbSNP rs2471255841, ClinGen allele CA2740094321.

ClinVar aggregate classification (germline): Pathogenic (1 of 4 stars; one submission).

Conditions:
Mucopolysaccharidosis, MPS-IV-B (MPS4B). Also called: Mucopolysaccharidosis type 4B; Mucopolysaccharidosis type IVB (Morquio); MPS IVB; MORQUIO SYNDROME B; Mucopolysaccharidosis type IV B; Mucopolysaccharidosis Type IVB. Identifiers: Orphanet 309310, Orphanet 582, MedGen C0086652, MONDO:0009660, OMIM 253010.
GM1 gangliosidosis. Identifiers: Orphanet 354, MedGen C0085131, MONDO:0018149.

Submission:

Labcorp Genetics (formerly Invitae), Labcorp
Classification: Pathogenic for Mucopolysaccharidosis, MPS-IV-B; GM1 gangliosidosis. Last evaluated: 2023-01-24. Review status: criteria provided, single submitter. Criteria: Invitae Variant Classification Sherloc (09022015). Collection method: clinical testing. Allele origin: germline.
Comment: This sequence change creates a premature translational stop signal (p.Leu463Glufs*30) in the GLB1 gene. It is expected to result in an absent or disrupted protein product. Loss-of-function variants in GLB1 are known to be pathogenic (PMID: 18524657). This variant is not present in population databases (gnomAD no frequency). This variant has not been reported in the literature in individuals affected with GLB1-related conditions. For these reasons, this variant has been classified as Pathogenic.

Literature cited by the submitters: PubMed 18524657.